The following is an entry in ClinVar:

ClinVar aggregate classification (germline): Likely benign. Review status: criteria provided, multiple submitters, no conflicts (2 of 4 stars). 5 submissions from 5 submitters: Likely benign (5). Last evaluated 2026-06-01.

Conditions:
Primary ciliary dyskinesia. Also called: Ciliary dyskinesia. Identifiers: Orphanet 244, MedGen C0008780, MONDO:0016575, HP:0012265.

Allele frequency attached by ClinVar (database versions not stated): gnomAD exomes 0.00004 and 0.00005; gnomAD 0.00005 and 0.00006; ExAC 0.00006; TOPMed 0.00007.
gnomAD v4.1: 63 of 1,614,004 alleles (0.0039%); highest among the groups gnomAD compares: Middle Eastern, 0.049%; no homozygotes.

Submissions (5):

CeGaT Center for Human Genetics Tuebingen
Classification: Likely benign. Last evaluated: 2026-06-01. Review status: criteria provided, single submitter. Criteria: CeGaT Center For Human Genetics Tuebingen Variant Classification Criteria Version 2. Collection method: clinical testing. Allele origin: germline. Affected: yes. Observed: 1 variant allele.
Comment: DNAH5: BP4, BP7

Labcorp Genetics (formerly Invitae), Labcorp
Classification: Likely benign for Primary ciliary dyskinesia. Last evaluated: 2026-01-05. Review status: criteria provided, single submitter. Criteria: Invitae Variant Classification Sherloc (09022015). Collection method: clinical testing. Allele origin: germline.

Blueprint Genetics
Classification: Likely benign. Last evaluated: 2024-05-31. Review status: criteria provided, single submitter. Criteria: ACMG Guidelines, 2015. Collection method: clinical testing. Allele origin: germline.

Ambry Genetics
Classification: Likely benign for Primary ciliary dyskinesia. Last evaluated: 2022-09-24. Review status: criteria provided, single submitter. Criteria: Ambry Variant Classification Scheme 2023. Collection method: clinical testing. Allele origin: germline.

PreventionGenetics, part of Exact Sciences
Classification: Likely benign. Review status: criteria provided, single submitter. Criteria: ACMG Guidelines, 2015. Collection method: clinical testing. Allele origin: germline.

NM_001369.3(DNAH5):c.573C>T (p.Asp191=)

Gene: DNAH5 (dynein axonemal heavy chain 5; minus strand). Cytogenetic location: 5p15.2.
Variant type: single nucleotide variant.
Coding change: c.573C>T on transcript NM_001369.3 (MANE Select); coding-DNA position 573, C replaced by T.
Protein change: p.Asp191=; no amino-acid change (aspartic acid 191 retained).
Molecular consequence: synonymous variant.
Genome position (GRCh38, 1-based): chr5:13,922,194, G>A on the plus strand (C>T on the coding strand, the complement: DNAH5 is on the minus strand). VCF-style: chr5-13922194-G-A. GRCh37 (hg19) VCF-style: chr5-13922303-G-A.
Identifiers: ClinVar variation 258049 (VCV000258049.26), dbSNP rs773770450, ClinGen allele CA3205147.
Genomic context (GRCh38, chr5:13,922,194, plus strand): 5'-CGACAGGACGTTCACAAAGCCTTCCAGGGAGCTCAAGAACTCCTGGCGAATGTTAGCTGC[G>A]TCCTGAAGGCCCTCGAGCTCGCCCCAGCCATGGCTCGTGGCTCTGAGAGCAGGAATGAAG-3'
Protein context (NP_001360.1, residues 181-201): HGWGELEGLQ[Asp191=]AANIRQEFLS